The following is an entry in ClinVar:

NM_004168.4(SDHA):c.574G>T (p.Val192Leu)

Gene: SDHA (succinate dehydrogenase complex flavoprotein subunit A; plus strand). Cytogenetic location: 5p15.33.
Variant type: single nucleotide variant.
Coding change: c.574G>T on transcript NM_004168.4 (MANE Select); coding-DNA position 574, G replaced by T.
Protein change: p.Val192Leu; replaces valine 192 with leucine.
Molecular consequence: missense variant.
Genome position (GRCh38, 1-based): chr5:226,000, G>T. VCF-style: chr5-226000-G-T. GRCh37 (hg19) VCF-style: chr5-226115-G-T.
Other names: c.430G>T, p.Val144Leu (NM_001294332.2); c.574G>T, p.Val192Leu (NM_001330758.2); short protein forms V144L, V192L.
Identifiers: ClinVar variation 3368154 (VCV003368154.1).

ClinVar aggregate classification (germline): Uncertain significance (1 of 4 stars; one submission).

Submission:

GeneDx
Classification: Uncertain significance. Last evaluated: 2024-01-19. Review status: criteria provided, single submitter. Criteria: GeneDx Variant Classification Process June 2021. Collection method: clinical testing. Allele origin: germline. Affected: yes.
Comment: Not observed at significant frequency in large population cohorts (gnomAD); In silico analysis supports that this missense variant does not alter protein structure/function; Has not been previously published as pathogenic or benign to our knowledge